The following is an entry in ClinVar:

ClinVar aggregate classification (germline): Uncertain significance. Review status: criteria provided, single submitter (1 of 4 stars). 2 submissions from 2 submitters: Uncertain significance (1). 1 of the submissions does not count toward it. Last evaluated 2023-08-28.

Conditions:
Intellectual developmental disorder, autosomal dominant 6, with or without seizures. Also called: Intellectual disability, autosomal dominant 6; GRIN2B-related developmental delay, intellectual disability and autism spectrum disorder. Identifiers: Orphanet 589547, MedGen C3151411, MONDO:0013509, OMIM 613970.
Developmental and epileptic encephalopathy, 27 (DEE27). Also called: Epileptic encephalopathy, early infantile, 27; GRIN2B-Related Neurodevelopmental Disorder. Identifiers: Orphanet 3451, MedGen C4015316, MONDO:0014505, OMIM 616139.

Allele frequency attached by ClinVar (database versions not stated): gnomAD exomes below 0.00001; ExAC 0.00001.
gnomAD v4.1: 2 of 1,614,098 alleles (0.00012%); highest among the groups gnomAD compares: Non-Finnish European, 0.00017%; no homozygotes.

Submissions (2):

Labcorp Genetics (formerly Invitae), Labcorp
Classification: Uncertain significance for Developmental and epileptic encephalopathy, 27; Intellectual developmental disorder, autosomal dominant 6, with or without seizures. Last evaluated: 2023-08-28. Review status: criteria provided, single submitter. Criteria: Invitae Variant Classification Sherloc (09022015). Collection method: clinical testing. Allele origin: germline.
Comment: In summary, the available evidence is currently insufficient to determine the role of this variant in disease. Therefore, it has been classified as a Variant of Uncertain Significance. Advanced modeling of protein sequence and biophysical properties (such as structural, functional, and spatial information, amino acid conservation, physicochemical variation, residue mobility, and thermodynamic stability) performed at Invitae indicates that this missense variant is not expected to disrupt GRIN2B protein function. ClinVar contains an entry for this variant (Variation ID: 988725). This variant has not been reported in the literature in individuals affected with GRIN2B-related conditions. This variant is present in population databases (rs760488868, gnomAD 0.0009%). This sequence change replaces isoleucine, which is neutral and non-polar, with valine, which is neutral and non-polar, at codon 299 of the GRIN2B protein (p.Ile299Val).

Service de Génétique Moléculaire, Hôpital Robert Debré
Classification: Likely pathogenic for Developmental and epileptic encephalopathy, 27; Intellectual developmental disorder, autosomal dominant 6, with or without seizures. Review status: no assertion criteria provided. Collection method: clinical testing. Allele origin: de novo. Affected: yes. Not counted in ClinVar's aggregate classification.

NM_000834.5(GRIN2B):c.895A>G (p.Ile299Val)

Gene: GRIN2B (glutamate ionotropic receptor NMDA type subunit 2B; minus strand). Cytogenetic location: 12p13.1.
Variant type: single nucleotide variant.
Coding change: c.895A>G on transcript NM_000834.5 (MANE Select); coding-DNA position 895, A replaced by G.
Protein change: p.Ile299Val; replaces isoleucine 299 with valine.
Molecular consequence: missense variant.
Genome position (GRCh38, 1-based): chr12:13,753,432, T>C on the plus strand (A>G on the coding strand, the complement: GRIN2B is on the minus strand). VCF-style: chr12-13753432-T-C. GRCh37 (hg19) VCF-style: chr12-13906366-T-C.
Other names: short protein forms I299V.
Identifiers: ClinVar variation 988725 (VCV000988725.4), dbSNP rs760488868, ClinGen allele CA6461353.